The following is an entry in ClinVar:

ClinVar aggregate classification (germline): Conflicting classifications of pathogenicity. Review status: criteria provided, conflicting classifications (1 of 4 stars). 4 submissions from 4 submitters: Uncertain significance (1); Likely benign (3). Last evaluated 2026-04-10.

Conditions:
KLHL7-related disorder. Also called: KLHL7-related condition; KLHL7-related disorders.
Retinitis pigmentosa (RP). Identifiers: Orphanet 791, MedGen C0035334, MeSH D012174, MONDO:0019200, OMIM 268000. Inheritance: Autosomal dominant, autosomal recessive and X linked inheritance.

Allele frequency attached by ClinVar (database versions not stated): ExAC 0.00010; gnomAD exomes 0.00012; TOPMed 0.00014; ESP Exome Variant Server 0.00031.
gnomAD v4.1: 631 of 1,613,826 alleles (0.039%); highest among the groups gnomAD compares: Non-Finnish European, 0.052%; 2 homozygotes.

Submissions (4):

PreventionGenetics, part of Exact Sciences
Classification: Likely benign for KLHL7-related condition. Last evaluated: 2026-04-10. Review status: criteria provided, single submitter. Criteria: ACMG Guidelines, 2015. Collection method: clinical testing. Allele origin: germline.
Comment: This variant is classified as likely benign based on ACMG/AMP sequence variant interpretation guidelines (Richards et al. 2015 PMID: 25741868, with internal and published modifications).

Labcorp Genetics (formerly Invitae), Labcorp
Classification: Likely benign. Last evaluated: 2024-09-27. Review status: criteria provided, single submitter. Criteria: Invitae Variant Classification Sherloc (09022015). Collection method: clinical testing. Allele origin: germline.

Blueprint Genetics
Classification: Likely benign. Last evaluated: 2022-12-22. Review status: criteria provided, single submitter. Criteria: ACMG Guidelines, 2015. Collection method: clinical testing. Allele origin: germline.

Illumina Laboratory Services, Illumina
Classification: Uncertain significance for Retinitis pigmentosa. Last evaluated: 2018-01-12. Review status: criteria provided, single submitter. Criteria: ICSL Variant Classification Criteria 13 December 2019. Collection method: clinical testing. Allele origin: germline.

NM_001031710.3(KLHL7):c.738G>A (p.Thr246=)

Gene: KLHL7 (kelch like family member 7; plus strand). Cytogenetic location: 7p15.3.
Variant type: single nucleotide variant.
Coding change: c.738G>A on transcript NM_001031710.3 (MANE Select); coding-DNA position 738, G replaced by A.
Protein change: p.Thr246=; no amino-acid change (threonine 246 retained).
Molecular consequence: synonymous variant. On other transcripts: non-coding transcript variant (1).
Genome position (GRCh38, 1-based): chr7:23,143,970, G>A. VCF-style: chr7-23143970-G-A. GRCh37 (hg19) VCF-style: chr7-23183589-G-A.
Other names: c.594G>A, p.Thr198= (NM_018846.5).
Identifiers: ClinVar variation 912271 (VCV000912271.14), dbSNP rs148401327, ClinGen allele CA4186475.
Genomic context (GRCh38, chr7:23,143,970, plus strand): 5'-GGTTGATATCCTTGCTAAAGTCAGGTTTCCTCTTATATCAAAGAATTTCTTAAGTAAAAC[G>A]GTACAAGCTGAACCACTTATTCAAGACAATCCTGAATGCCTTAAGATGGTGATAAGTAAG-3'
Protein context (NP_001026880.2, residues 236-256): PLISKNFLSK[Thr246=]VQAEPLIQDN